The following is an entry in ClinVar:

ClinVar aggregate classification (germline): Pathogenic (1 of 4 stars; one submission).

Submission:

GeneDx
Classification: Pathogenic. Last evaluated: 2016-02-11. Review status: criteria provided, single submitter. Criteria: GeneDx Variant Classification (06012015). Collection method: clinical testing. Allele origin: germline. Affected: yes.
Comment: The c.3165dupC pathogenic variant in the ZNF423 gene has not been reported previously as a pathogenic variant nor as a benign variant, to our knowledge. The c.3165dupC variant causes a frameshift starting with codon Asparagine 1056, changes this amino acid to a Glutamine residue, and creates a premature Stop codon at position 28 of the new reading frame, denoted p.Asn1056GlnfsX28. This variant is predicted to cause loss of normal protein function either through protein truncation or nonsense-mediated mRNA decay. The c.3165dupC variant was not observed in approximately 6500 individuals of European and African American ancestry in the NHLBI Exome Sequencing Project, indicating it is not a common benign variant in these populations. Therefore, we interpret c.3165dupC as a pathogenic variant.

NM_001379286.1(ZNF423):c.3189dup (p.Asn1064fs)

Gene: ZNF423 (zinc finger protein 423; minus strand). Cytogenetic location: 16q12.1.
Variant type: Duplication.
Coding change: c.3189dup on transcript NM_001379286.1 (MANE Select); coding-DNA position 3189, one base duplicated (C; older notation c.3189dupC).
Protein change: p.Asn1064fs; shifts the reading frame from asparagine 1064.
Molecular consequence: frameshift variant.
Genome position (GRCh38, 1-based): chr16:49,635,987, G duplicated on the plus strand (C on the coding strand, the reverse complement: ZNF423 is on the minus strand); the first of 5 consecutive G bases (chr16:49,635,987-49,635,991); duplicating any one gives the same sequence. VCF-style (leftmost placement, unchanged base first): chr16-49635986-T-TG. GRCh37 (hg19) VCF-style: chr16-49669897-T-TG.
Other names: c.2985dup, p.Asn996fs (NM_001271620.2); c.2814dup, p.Asn939fs (NM_001330533.2); c.3165dup, p.Asn1056fs (NM_015069.5); short protein forms N939fs, N996fs, N1056fs, N1064fs.
Identifiers: ClinVar variation 280335 (VCV000280335.2), dbSNP rs886041561, ClinGen allele CA10603273.